The following is an entry in ClinVar:

ClinVar aggregate classification (germline): Uncertain significance (1 of 4 stars; one submission).

Conditions:
Cardiovascular phenotype. Identifiers: MedGen CN230736.
Hereditary cancer-predisposing syndrome. Also called: Neoplastic Syndromes, Hereditary; Tumor predisposition; Hereditary Cancer Syndrome; Hereditary neoplastic syndrome. Identifiers: Orphanet 140162, MedGen C0027672, MeSH D009386, MONDO:0015356.

gnomAD v4.1: 2 of 1,598,262 alleles (0.00013%); highest among the groups gnomAD compares: Non-Finnish European, 0.000085%; no homozygotes.

Submission:

Ambry Genetics
Classification: Uncertain significance for Cardiovascular phenotype; Hereditary cancer-predisposing syndrome. Last evaluated: 2025-10-13. Review status: criteria provided, single submitter. Criteria: Ambry Variant Classification Scheme 2023. Collection method: clinical testing. Allele origin: germline.
Comment: The p.P536S variant (also known as c.1606C>T), located in coding exon 14 of the LZTR1 gene, results from a C to T substitution at nucleotide position 1606. The proline at codon 536 is replaced by serine, an amino acid with similar properties. This amino acid position is conserved. In addition, the in silico prediction for this alteration is inconclusive. Based on the available evidence, the clinical significance of this variant remains unclear.

NM_006767.4(LZTR1):c.1606C>T (p.Pro536Ser)

Gene: LZTR1 (leucine zipper like post translational regulator 1; plus strand). Cytogenetic location: 22q11.21.
Variant type: single nucleotide variant.
Coding change: c.1606C>T on transcript NM_006767.4 (MANE Select); coding-DNA position 1606, C replaced by T.
Protein change: p.Pro536Ser; replaces proline 536 with serine.
Molecular consequence: missense variant.
Genome position (GRCh38, 1-based): chr22:20,994,260, C>T. VCF-style: chr22-20994260-C-T. GRCh37 (hg19) VCF-style: chr22-21348549-C-T.
Other names: short protein forms P536S.
Identifiers: ClinVar variation 4615631 (VCV004615631.1).